The following is an entry in ClinVar:

ClinVar aggregate classification (germline): Conflicting classifications of pathogenicity. Review status: criteria provided, conflicting classifications (1 of 4 stars). 4 submissions from 4 submitters: Uncertain significance (2); Likely benign (2). Last evaluated 2024-09-20.

Conditions:
Hereditary cancer-predisposing syndrome. Also called: Tumor predisposition; Hereditary neoplastic syndrome; Neoplastic Syndromes, Hereditary; Hereditary Cancer Syndrome. Identifiers: Orphanet 140162, MedGen C0027672, MeSH D009386, MONDO:0015356.
Hereditary diffuse gastric adenocarcinoma (HDGC). Also called: DIFFUSE GASTRIC AND LOBULAR BREAST CANCER SYNDROME. Identifiers: Orphanet 26106, MedGen C1708349, MONDO:0007648, OMIM 137215.

Allele frequency attached by ClinVar (database versions not stated): gnomAD exomes below 0.00001.
gnomAD v4.1: 1 of 1,610,854 alleles (0.000062%); highest among the groups gnomAD compares: South Asian, 0.0011%; no homozygotes.

Submissions (4):

Myriad Genetics, Inc.
Classification: Likely benign for Hereditary diffuse gastric adenocarcinoma. Last evaluated: 2024-09-20. Review status: criteria provided, single submitter. Criteria: Myriad Autosomal Dominant, Autosomal Recessive and X-Linked Classification Criteria (2023). Collection method: clinical testing. Allele origin: unknown.
Comment: This variant is considered likely benign. This variant is intronic and is not expected to impact mRNA splicing.

Ambry Genetics
Classification: Likely benign for Hereditary cancer-predisposing syndrome. Last evaluated: 2023-03-30. Review status: criteria provided, single submitter. Criteria: Ambry Variant Classification Scheme 2023. Collection method: clinical testing. Allele origin: germline.

Labcorp Genetics (formerly Invitae), Labcorp
Classification: Uncertain significance for Hereditary diffuse gastric adenocarcinoma. Last evaluated: 2020-09-18. Review status: criteria provided, single submitter. Criteria: Invitae Variant Classification Sherloc (09022015). Collection method: clinical testing. Allele origin: germline.
Comment: This sequence change falls in intron 12 of the CDH1 gene. It does not directly change the encoded amino acid sequence of the CDH1 protein, but it affects a nucleotide within the consensus splice site of the intron. In summary, the available evidence is currently insufficient to determine the role of this variant in disease. Therefore, it has been classified as a Variant of Uncertain Significance. Nucleotide substitutions within the consensus splice site are a relatively common cause of aberrant splicing (PMID: 17576681, 9536098). Algorithms developed to predict the effect of sequence changes on RNA splicing suggest that this variant may disrupt the consensus splice site, but this prediction has not been confirmed by published transcriptional studies. This variant has not been reported in the literature in individuals with CDH1-related conditions. ClinVar contains an entry for this variant (Variation ID: 220066). This variant is not present in population databases (ExAC no frequency).

Color Diagnostics, LLC DBA Color Health
Classification: Uncertain significance for Hereditary cancer-predisposing syndrome. Last evaluated: 2019-04-11. Review status: criteria provided, single submitter. Criteria: ACMG Guidelines, 2015. Collection method: clinical testing. Allele origin: germline.

Literature cited by the submitters: PubMed 17576681 (cited by Labcorp Genetics (formerly Invitae), Labcorp); PubMed 9536098 (cited by Labcorp Genetics (formerly Invitae), Labcorp).

NM_004360.5(CDH1):c.1936+4G>A

Gene: CDH1 (cadherin 1; plus strand). Cytogenetic location: 16q22.1.
Variant type: single nucleotide variant.
Coding change: c.1936+4G>A on transcript NM_004360.5 (MANE Select); 4 bases into the intron after coding-DNA position 1936, G replaced by A.
Molecular consequence: intron variant.
Genome position (GRCh38, 1-based): chr16:68,822,229, G>A. VCF-style: chr16-68822229-G-A. GRCh37 (hg19) VCF-style: chr16-68856132-G-A.
Other names: c.388+4G>A (NM_001317185.2); c.-30+4G>A (NM_001317186.2); c.1753+4G>A (NM_001317184.2); c.1936+4G>A (LRG_301t1).
Identifiers: ClinVar variation 220066 (VCV000220066.13), dbSNP rs864622365, ClinGen allele CA348047.
Genomic context (GRCh38, chr16:68,822,229, plus strand): 5'-CAGCAGAACTAACACACGGGGCGAGTGCCAACTGGACCATTCAGTACAACGACCCAAGTG[G>A]GTACCTGAGTTTTATTTTGGCAACTTTGCTCCAACTGCCATGCTTCCCTTCCCCCAGATC-3'